The following is an entry in ClinVar:

ClinVar aggregate classification (germline): Pathogenic/Likely pathogenic. Review status: criteria provided, multiple submitters, no conflicts (2 of 4 stars). 4 submissions from 4 submitters: Pathogenic (2); Likely pathogenic (1). 1 of the submissions does not count toward it. Last evaluated 2024-04-22.

Conditions:
Charcot-Marie-Tooth disease type 4K. Also called: CHARCOT-MARIE-TOOTH DISEASE, DEMYELINATING, TYPE 4K; CHARCOT-MARIE-TOOTH DISEASE, DEMYELINATING, AUTOSOMAL RECESSIVE, TYPE 4K; CHARCOT-MARIE-TOOTH NEUROPATHY, DEMYELINATING, AUTOSOMAL RECESSIVE, TYPE 4K. Identifiers: Orphanet 391351, MedGen C4225246, MONDO:0014733, OMIM 616684.
Leigh syndrome (NULS). Also called: Leigh Disease; LEIGH SYNDROME, NUCLEAR; Leigh Syndrome (mtDNA deletion); Leigh's syndrome; Subacute necrotizing encephalopathy; Necrotizing encephalopathy infantile subacute of Leigh. Identifiers: Orphanet 506, MedGen C2931891, MONDO:0009723, OMIM 256000.
Mitochondrial complex IV deficiency, nuclear type 1 (MC4DN1). Also called: COX DEFICIENCY; Mitochondrial complex IV deficiency; Complex 4 mitochondrial respiratory chain deficiency; Deficiency of mitochondrial respiratory chain complex4; Complex IV deficiency. Identifiers: MedGen C5435656, MONDO:0700250, OMIM 220110. Disease mechanism: loss of function.

Submissions (4):

Labcorp Genetics (formerly Invitae), Labcorp
Classification: Pathogenic for Leigh syndrome. Last evaluated: 2024-04-22. Review status: criteria provided, single submitter. Criteria: Invitae Variant Classification Sherloc (09022015). Collection method: clinical testing. Allele origin: germline.
Comment: This sequence change creates a premature translational stop signal (p.Leu267Glufs*24) in the SURF1 gene. While this is not anticipated to result in nonsense mediated decay, it is expected to disrupt the last 34 amino acid(s) of the SURF1 protein. This variant is present in population databases (no rsID available, gnomAD 0.003%). This premature translational stop signal has been observed in individual(s) with clinical features of SURF1-related conditions (PMID: 23829769, 24027061). ClinVar contains an entry for this variant (Variation ID: 218303). Algorithms developed to predict the effect of variants on protein structure and function are not available or were not evaluated for this variant. Experimental studies have shown that this premature translational stop signal affects SURF1 function (PMID: 29933018). This variant disrupts a region of the SURF1 protein in which other variant(s) (p.Ser282Cysfs*9) have been determined to be pathogenic (PMID: 9837813, 16326995, 18583168, 22488715, 23829769). This suggests that this is a clinically significant region of the protein, and that variants that disrupt it are likely to be disease-causing. For these reasons, this variant has been classified as Pathogenic.

Kasturba Medical College, Manipal, Kasturba Medical College, Manipal, Manipal Academy of Higher Education, Manipal, India
Classification: Likely pathogenic for Leigh syndrome. Review status: criteria provided, single submitter. Criteria: ACMG Guidelines, 2015. Collection method: research. Allele origin: inherited. Affected: yes.

Neuberg Centre For Genomic Medicine, NCGM
Classification: Pathogenic for Mitochondrial complex IV deficiency, nuclear type 1. Review status: criteria provided, single submitter. Criteria: ACMG Guidelines, 2015. Collection method: clinical testing. Allele origin: germline. Inheritance: Autosomal recessive inheritance. Affected: yes.
Comment: The frameshift variant c.799_800del (p.Leu267GlufsTer24) in SURF1 gene has been reported in affected individuals in the literature (Echaniz-Laguna A et.al.,2013). This variant has been reported to the ClinVar database as Pathogenic/Likely Pathogenic. The p.Leu267GlufsTer24 variant is novel (not in any individuals) in 1000 Genomes and allele frequency of 0.0004106% is reported in gnomAD. This variant causes a frameshift starting with codon Leucine 267, changes this amino acid to Glutamic Acid residue, and creates a premature Stop codon at position 24 of the new reading frame, denoted p.Leu267GlufsTer24. This variant is predicted to cause loss of normal protein function through protein truncation. Loss of function variants have been previously reported to be disease causing. For these reasons, this variant has been classified as Pathogenic .

OMIM
Classification: Pathogenic for CHARCOT-MARIE-TOOTH DISEASE, DEMYELINATING, TYPE 4K. Last evaluated: 2013-10-22. Review status: no assertion criteria provided. Collection method: literature only. Allele origin: germline. Not counted in ClinVar's aggregate classification.

Literature cited by the submitters: PubMed 23829769 (cited by Labcorp Genetics (formerly Invitae), Labcorp); PubMed 24027061 (cited by Labcorp Genetics (formerly Invitae), Labcorp and OMIM); PubMed 29933018 (cited by Labcorp Genetics (formerly Invitae), Labcorp); PubMed 9837813 (cited by Labcorp Genetics (formerly Invitae), Labcorp); PubMed 16326995 (cited by Labcorp Genetics (formerly Invitae), Labcorp); PubMed 18583168 (cited by Labcorp Genetics (formerly Invitae), Labcorp); PubMed 22488715 (cited by Labcorp Genetics (formerly Invitae), Labcorp).

NM_003172.4(SURF1):c.799_800del (p.Leu267fs)

Gene: SURF1 (SURF1 cytochrome c oxidase assembly factor; minus strand). Cytogenetic location: 9q34.2.
Variant type: Microsatellite.
Coding change: c.799_800del on transcript NM_003172.4 (MANE Select); coding-DNA positions 799 to 800, 2 bases deleted (CT; older notation c.799_800delCT).
Protein change: p.Leu267fs; shifts the reading frame from leucine 267.
Molecular consequence: frameshift variant.
Genome position (GRCh38, 1-based): chr9:133,352,094-133,352,095, AG deleted on the plus strand (CT on the coding strand, the reverse complement: SURF1 is on the minus strand); deleting any 2 consecutive bases within chr9:133,352,094-133,352,097 gives the same sequence; the c. name uses the placement nearest the transcript's 3' end. VCF-style (leftmost placement, unchanged base first): chr9-133352093-CAG-C. GRCh37 (hg19) VCF-style: chr9-136218948-CAG-C.
Other names: c.472_473del, p.Leu158fs (NM_001280787.1); short protein forms L158fs, L267fs.
Identifiers: ClinVar variation 218303 (VCV000218303.8), dbSNP rs864309500, ClinGen allele CA215063.